The following is an entry in ClinVar:

NM_030632.3(ASXL3):c.4826G>A (p.Trp1609Ter)

Gene: ASXL3 (ASXL transcriptional regulator 3; plus strand). Cytogenetic location: 18q12.1.
Variant type: single nucleotide variant.
Coding change: c.4826G>A on transcript NM_030632.3 (MANE Select); coding-DNA position 4826, G replaced by A.
Protein change: p.Trp1609Ter; replaces tryptophan 1609 with a stop codon.
Molecular consequence: nonsense.
Genome position (GRCh38, 1-based): chr18:33,744,674, G>A. VCF-style: chr18-33744674-G-A. GRCh37 (hg19) VCF-style: chr18-31324638-G-A.
Other names: short protein forms W1609*.
Identifiers: ClinVar variation 1341713 (VCV001341713.1), dbSNP rs2145429823, ClinGen allele CA402192019.
Genomic context (GRCh38, chr18:33,744,674, plus strand): 5'-TCAAAAGTGAAGCAGACACAACCTGTAGCAATCAGTATAACCCAAGTAACCGGATTTGCT[G>A]GAATGATGATGGGATGAGGAGCACAGGACAGCCTCTGGTTACTCACTCGGGTTCAAGTAA-3'

ClinVar aggregate classification (germline): Pathogenic (1 of 4 stars; one submission).

Conditions:
Bainbridge-Ropers syndrome. Also called: Severe feeding difficulties-failure to thrive-microcephaly due to ASXL3 deficiency syndrome. Identifiers: Orphanet 352577, MedGen C4750837, MONDO:0014205, OMIM 615485.

Submission:

New York Genome Center
Classification: Pathogenic for Bainbridge-Ropers syndrome. Last evaluated: 2020-05-29. Review status: criteria provided, single submitter. Criteria: NYGC Assertion Criteria 2020. Collection method: clinical testing. Allele origin: de novo. Observed: 1 heterozygote. Study: CSER-NYCKidSeq.
Comment: The de novo heterozygous stop-gained variant (p.Trp1609Ter) identified in ASXL3 has not been reported in affected individuals in the literature. The variant is absent from the gnomAD database (v3) indicating it is an extremely rare allele inthe general population. The p.Trp1609Ter stop-gained variant is located in the last exon (12/12) of the ASXL3 gene and is predicted to escape nonsense mediated mRNA decay. If translated, the mutant protein would lack the last 639 amino acids (encoding ASXM2 and PHD domains) compared to the full length 2248-amino acid protein. Frameshift and stop-gained variants downstream of p.Trp1609Ter have been reported as pathogenic/likely pathogenic [PMID: 28100473; PMID: 29628764]. Based on the available evidence, the de novo p.Trp1609Ter variant identified in this individualis assessed as pathogenic.